The following is an entry in ClinVar:

NM_007294.4(BRCA1):c.5467+23T>C

Gene: BRCA1 (BRCA1 DNA repair associated; minus strand). Cytogenetic location: 17q21.31.
Variant type: single nucleotide variant.
Coding change: c.5467+23T>C on transcript NM_007294.4 (MANE Select); 23 bases into the intron after coding-DNA position 5467, T replaced by C.
Molecular consequence: intron variant.
Genome position (GRCh38, 1-based): chr17:43,047,620, A>G on the plus strand (T>C on the coding strand, the complement: BRCA1 is on the minus strand). VCF-style: chr17-43047620-A-G. GRCh37 (hg19) VCF-style: chr17-41199637-A-G.
Other names: c.5251+23T>C (NM_001407917.1, NM_001407918.1, NM_001407915.1 and 1 more transcripts); c.2014+23T>C (NM_001408462.1, NM_001408458.1, NM_001408461.1 and 7 more transcripts); c.5464+23T>C (NM_001407623.1, NM_001407615.1, NM_001407625.1 and 14 more transcripts); c.5467+23T>C (NM_001407605.1, NM_001407594.1, NM_001407593.1 and 5 more transcripts); c.5254+23T>C (NM_001407902.1, NM_001407897.1, NM_001407908.1 and 12 more transcripts); c.2077+23T>C (NM_001408414.1, NM_001408415.1, NM_001408412.1 and 2 more transcripts); c.2080+23T>C (NM_001408411.1); c.5389+23T>C (NM_001407655.1, NM_001407654.1, NM_001407652.1 and 1 more transcripts); and 83 more.
Identifiers: ClinVar variation 868949 (VCV000868949.3), dbSNP rs2050970930, ClinGen allele CA916080726.

Conditions:
Breast-ovarian cancer, familial, susceptibility to, 1 (BROVCA1). Also called: BRCA1 Hereditary Breast and Ovarian Cancer; OVARIAN CANCER, SUSCEPTIBILITY TO. Identifiers: Orphanet 145, MedGen C2676676, MONDO:0011450, OMIM 604370. Disease mechanism: loss of function.

Submission:

Brotman Baty Institute, University of Washington
No classification provided (evidence only). Condition: Breast-ovarian cancer, familial 1. Review status: no classification provided. Collection method: in vitro. Allele origin: not applicable. Functional consequence: functionally_normal.
ClinVar note: "not provided" was previously submitted as the classification for the variant. However, the classification appeared to be based only on an observation of functional data so it was converted to no classification on 2025-07-30.